The following is an entry in ClinVar:

ClinVar aggregate classification (germline): Likely pathogenic (1 of 4 stars; one submission).

Conditions:
Skin creases, congenital symmetric circumferential, 2 (CSCSC2). Identifiers: MedGen C4225225, MONDO:0014755, OMIM 616734.

Submission:

Women's Health and Genetics/Laboratory Corporation of America, LabCorp
Classification: Likely pathogenic for Skin creases, congenital symmetric circumferential, 2. Last evaluated: 2018-10-01. Review status: criteria provided, single submitter. Criteria: LabCorp Variant Classification Summary - May 2015. Collection method: clinical testing. Allele origin: germline.
Comment: Variant summary: MAPRE2 c.169_176delACTATGAG (p.Thr57GlnfsX3) results in a premature termination codon, predicted to cause a truncation of the encoded protein or absence of the protein due to nonsense mediated decay, which are commonly known mechanisms for disease. The variant was absent in 243540 control chromosomes (gnomAD). To our knowledge, no occurrence of c.169_176delACTATGAG in individuals affected with Symmetric circumferential skin creases, congenital, 2 and no experimental evidence demonstrating its impact on protein function have been reported. No clinical diagnostic laboratories have submitted clinical-significance assessments for this variant to ClinVar after 2014. Based on the evidence outlined above, the variant was classified as likely pathogenic.

NM_014268.4(MAPRE2):c.169_176del (p.Thr57fs)

Gene: MAPRE2 (microtubule associated protein RP/EB family member 2; plus strand). Cytogenetic location: 18q12.1.
Variant type: Deletion.
Coding change: c.169_176del on transcript NM_014268.4 (MANE Select); coding-DNA positions 169 to 176, 8 bases deleted (ACTATGAG; older notation c.169_176delACTATGAG).
Protein change: p.Thr57fs; shifts the reading frame from threonine 57.
Molecular consequence: frameshift variant. On other transcripts: non-coding transcript variant (1), intron variant (1).
Genome position (GRCh38, 1-based): chr18:35,070,241-35,070,248, ACTATGAG deleted; deleting any 8 consecutive bases within chr18:35,070,238-35,070,248 gives the same sequence; the c. name uses the placement nearest the transcript's 3' end. VCF-style (leftmost placement, unchanged base first): chr18-35070237-AGAGACTAT-A. GRCh37 (hg19) VCF-style: chr18-32650201-AGAGACTAT-A.
Other names: c.40_47del, p.Thr14fs (NM_001143826.3); c.133_140del, p.Thr45fs (NM_001143827.3); c.92-27205_92-27198del (NM_001256420.2); short protein forms T14fs, T57fs, T45fs.
Identifiers: ClinVar variation 633295 (VCV000633295.1), dbSNP rs1568991852, ClinGen allele CA913190997.
Genomic context (GRCh38, chr18:35,070,237, plus strand): 5'-ACTTTGTTTTTTTTCTAGTTGGGGAATGGCGGTCAATGTGTATTCTACCTCGATAACCCA[AGAGACTAT>A]GAGCAGACATGACATCATTGCATGGGTTAATGACATAGTATCTTTAAACTACACAAAAGT-3'